The following is an entry in ClinVar:

ClinVar aggregate classification (germline): Conflicting classifications of pathogenicity. Review status: criteria provided, conflicting classifications (1 of 4 stars). 4 submissions from 4 submitters: Uncertain significance (2); Benign (1); Likely benign (1). Last evaluated 2026-08-24.

Conditions:
KMT2D-related disorder. Also called: KMT2D-Related Disorders.
Kabuki syndrome. Also called: Kabuki make-up syndrome; NIIKAWA-KUROKI SYNDROME. Identifiers: Orphanet 2322, MedGen C0796004, MONDO:0016512.

Allele frequency attached by ClinVar (database versions not stated): ExAC 0.00001; gnomAD exomes 0.00002 and 0.00003; gnomAD 0.00003 and 0.00004; TOPMed 0.00006; ESP Exome Variant Server 0.00008.
gnomAD v4.1: 34 of 1,613,928 alleles (0.0021%); highest among the groups gnomAD compares: Non-Finnish European, 0.0018%; no homozygotes.

Submissions (4):

PreventionGenetics, part of Exact Sciences
Classification: Uncertain significance for KMT2D-related condition. Last evaluated: 2026-08-24. Review status: criteria provided, single submitter. Criteria: ACMG Guidelines, 2015. Collection method: clinical testing. Allele origin: germline.
Comment: The KMT2D c.7934G>A variant is predicted to result in the amino acid substitution p.Arg2645Gln. To our knowledge, this variant has not been reported in the literature. This variant is reported in 0.040% of alleles in individuals of Ashkenazi Jewish descent in gnomAD. Although we suspect that this variant may be benign, at this time, the clinical significance of this variant is uncertain due to the absence of conclusive functional and genetic evidence.

Labcorp Genetics (formerly Invitae), Labcorp
Classification: Benign for Kabuki syndrome. Last evaluated: 2025-12-06. Review status: criteria provided, single submitter. Criteria: Invitae Variant Classification Sherloc (09022015). Collection method: clinical testing. Allele origin: germline.

Laboratory of Genetics, Children's Clinical University Hospital Latvia
Classification: Likely benign. Last evaluated: 2025-02-16. Review status: criteria provided, single submitter. Criteria: ACMG Guidelines, 2015. Collection method: clinical testing. Allele origin: germline. Affected: yes.

Eurofins Ntd Llc (ga)
Classification: Uncertain significance. Last evaluated: 2015-07-02. Review status: criteria provided, single submitter. Criteria: EGL Classification Definitions 2015. Collection method: clinical testing. Allele origin: germline. Observed: 2 variant alleles, 2 heterozygotes.

NM_003482.4(KMT2D):c.7934G>A (p.Arg2645Gln)

Gene: KMT2D (lysine methyltransferase 2D; minus strand). Cytogenetic location: 12q13.12.
Variant type: single nucleotide variant.
Coding change: c.7934G>A on transcript NM_003482.4 (MANE Select); coding-DNA position 7934, G replaced by A.
Protein change: p.Arg2645Gln; replaces arginine 2645 with glutamine.
Molecular consequence: missense variant.
Genome position (GRCh38, 1-based): chr12:49,039,836, C>T on the plus strand (G>A on the coding strand, the complement: KMT2D is on the minus strand). VCF-style: chr12-49039836-C-T. GRCh37 (hg19) VCF-style: chr12-49433619-C-T.
Other names: c.7934G>A (NM_003482.3); short protein forms R2645Q.
Identifiers: ClinVar variation 281677 (VCV000281677.11), dbSNP rs375980443, ClinGen allele CA6546967.
Genomic context (GRCh38, chr12:49,039,836, plus strand): 5'-TGGGTACCTGGGAGTTCAGCTGTCGCCAAAGAGCTACCCATTCCAGTCCCTGGGTCTTCT[C>T]GCTTTTCGACAGGAGAGGTGATGCCTGATCGCTGTGAGGCTCCATGGGACAGGTAGGGGA-3'
Protein context (NP_003473.3, residues 2635-2655): RSGITSPVEK[Arg2645Gln]EDPGTGMGSS